The following is an entry in ClinVar:

NM_001367721.1(CASK):c.1408G>A (p.Gly470Ser)

Gene: CASK (calcium/calmodulin dependent serine protein kinase; minus strand). Cytogenetic location: Xp11.4.
Variant type: single nucleotide variant.
Coding change: c.1408G>A on transcript NM_001367721.1 (MANE Select); coding-DNA position 1408, G replaced by A.
Protein change: p.Gly470Ser; replaces glycine 470 with serine.
Molecular consequence: missense variant.
Genome position (GRCh38, 1-based): chrX:41,578,435, C>T on the plus strand (G>A on the coding strand, the complement: CASK is on the minus strand). VCF-style: chrX-41578435-C-T. GRCh37 (hg19) VCF-style: chrX-41437688-C-T.
Other names: c.1408G>A, p.Gly470Ser (NM_001126054.3, NM_003688.4); c.1390G>A, p.Gly464Ser (NM_001126055.3, NM_001410745.1); short protein forms G470S, G464S.
Identifiers: ClinVar variation 537749 (VCV000537749.33), dbSNP rs1021774904, ClinGen allele CA329232233.

ClinVar aggregate classification (germline): Uncertain significance. Review status: criteria provided, multiple submitters, no conflicts (2 of 4 stars). 5 submissions from 5 submitters: Uncertain significance (4). 1 of the submissions does not count toward it. Last evaluated 2024-09-27.

Conditions:
Seizure. Also called: Seizures. Identifiers: MedGen C0036572, HP:0001250.
Intellectual disability, CASK-related, X-linked. Identifiers: MedGen CN043158.

Allele frequency attached by ClinVar (database versions not stated): gnomAD exomes 0.00001; TOPMed 0.00001.
gnomAD v4.1: 10 of 1,202,248 alleles (0.00083%); highest among the groups gnomAD compares: African/African-American, 0.0017%; no homozygotes.

Submissions (5):

Labcorp Genetics (formerly Invitae), Labcorp
Classification: Uncertain significance for Intellectual disability, CASK-related, X-linked. Last evaluated: 2024-09-27. Review status: criteria provided, single submitter. Criteria: Invitae Variant Classification Sherloc (09022015). Collection method: clinical testing. Allele origin: germline.
Comment: This sequence change replaces glycine, which is neutral and non-polar, with serine, which is neutral and polar, at codon 470 of the CASK protein (p.Gly470Ser). This variant is not present in population databases (gnomAD no frequency). This variant has not been reported in the literature in individuals affected with CASK-related conditions. ClinVar contains an entry for this variant (Variation ID: 537749). Invitae Evidence Modeling of protein sequence and biophysical properties (such as structural, functional, and spatial information, amino acid conservation, physicochemical variation, residue mobility, and thermodynamic stability) has been performed for this missense variant. However, the output from this modeling did not meet the statistical confidence thresholds required to predict the impact of this variant on CASK protein function. Algorithms developed to predict the effect of sequence changes on RNA splicing suggest that this variant may create or strengthen a splice site. In summary, the available evidence is currently insufficient to determine the role of this variant in disease. Therefore, it has been classified as a Variant of Uncertain Significance.

Blueprint Genetics
Classification: Uncertain significance. Last evaluated: 2024-09-05. Review status: criteria provided, single submitter. Criteria: ACMG Guidelines, 2015. Collection method: clinical testing. Allele origin: germline.

CeGaT Center for Human Genetics Tuebingen
Classification: Uncertain significance. Last evaluated: 2023-03-01. Review status: criteria provided, single submitter. Criteria: CeGaT Center For Human Genetics Tuebingen Variant Classification Criteria Version 2. Collection method: clinical testing. Allele origin: germline. Affected: yes. Observed: 1 variant allele.
Comment: CASK: PM2, PP2

Breakthrough Genomics
Classification: Uncertain significance. Review status: criteria provided, single submitter. Criteria: ACMG Guidelines, 2015. Collection method: not provided. Allele origin: germline. Inheritance: X-linked dominant inheritance. Affected: yes.

Diagnostic Laboratory, Strasbourg University Hospital
Classification: Uncertain significance for Seizure. Review status: no assertion criteria provided. Collection method: clinical testing. Allele origin: maternal. Affected: yes. Observed: 1 hemizygote. Not counted in ClinVar's aggregate classification.